The following is an entry in ClinVar:

ClinVar aggregate classification (germline): Uncertain significance. Review status: criteria provided, multiple submitters, no conflicts (2 of 4 stars). 3 submissions from 3 submitters: Uncertain significance (2). 1 of the submissions does not count toward it. Last evaluated 2021-12-07.

Conditions:
Lethal congenital contractural syndrome Finnish type.
Inborn genetic diseases. Identifiers: MedGen C0950123, MeSH D030342.

Allele frequency attached by ClinVar (database versions not stated): ExAC 0.00001; gnomAD exomes 0.00002 and 0.00003; TOPMed 0.00002; gnomAD 0.00003; 1000 Genomes Project 30x 0.00016; 1000 Genomes Project 0.00020.
gnomAD v4.1: 44 of 1,614,006 alleles (0.0027%); highest among the groups gnomAD compares: Admixed American, 0.0083%; no homozygotes.

Submissions (3):

Ambry Genetics
Classification: Uncertain significance for Inborn genetic diseases. Last evaluated: 2021-12-07. Review status: criteria provided, single submitter. Criteria: Ambry Variant Classification Scheme 2023. Collection method: clinical testing. Allele origin: germline.

GeneDx
Classification: Uncertain significance. Last evaluated: 2019-07-16. Review status: criteria provided, single submitter. Criteria: GeneDx Variant Classification Process June 2021. Collection method: clinical testing. Allele origin: germline. Affected: yes.
Comment: In silico analysis, which includes protein predictors and evolutionary conservation, supports a deleterious effect; Has not been previously published as pathogenic or benign to our knowledge

Natera, Inc.
Classification: Uncertain significance for Lethal congenital contractural syndrome Finnish type. Last evaluated: 2020-09-16. Review status: no assertion criteria provided. Collection method: clinical testing. Allele origin: germline. Not counted in ClinVar's aggregate classification.

NM_001003722.2(GLE1):c.1724G>A (p.Arg575His)

Genes: GLE1 (GLE1 RNA export mediator; plus strand), LOC101929270 (uncharacterized LOC101929270; minus strand). Cytogenetic location: 9q34.11.
Variant type: single nucleotide variant.
Coding change: c.1724G>A on transcript NM_001003722.2 (MANE Select); coding-DNA position 1724, G replaced by A.
Protein change: p.Arg575His; replaces arginine 575 with histidine.
Molecular consequence: missense variant.
Genome position (GRCh38, 1-based): chr9:128,536,432, G>A. VCF-style: chr9-128536432-G-A. GRCh37 (hg19) VCF-style: chr9-131298711-G-A.
Other names: c.1724G>A, p.Arg575His (NM_001499.2); short protein forms R575H.
Identifiers: ClinVar variation 453062 (VCV000453062.7), dbSNP rs190673897, ClinGen allele CA5263936.